The following is an entry in ClinVar:

NM_001009944.3(PKD1):c.9708C>T (p.Ala3236=)

Gene: PKD1 (polycystin 1, transient receptor potential channel interacting; minus strand). Cytogenetic location: 16p13.3.
Variant type: single nucleotide variant.
Coding change: c.9708C>T on transcript NM_001009944.3 (MANE Select); coding-DNA position 9708, C replaced by T.
Protein change: p.Ala3236=; no amino-acid change (alanine 3236 retained).
Molecular consequence: synonymous variant.
Genome position (GRCh38, 1-based): chr16:2,100,170, G>A on the plus strand (C>T on the coding strand, the complement: PKD1 is on the minus strand). VCF-style: chr16-2100170-G-A. GRCh37 (hg19) VCF-style: chr16-2150171-G-A.
Other names: c.9708C>T, p.Ala3236= (NM_000296.4); c.9708C>T (NM_001009944.2).
Identifiers: ClinVar variation 1285192 (VCV001285192.3), dbSNP rs755291122, ClinGen allele CA7829970.

ClinVar aggregate classification (germline): Likely benign. Review status: criteria provided, single submitter (1 of 4 stars). 3 submissions from 3 submitters: Likely benign (1). 2 of the submissions do not count toward it. Last evaluated 2025-07-21.

Conditions:
PKD1-related disorder. Also called: PKD1-related condition.

Allele frequency attached by ClinVar (database versions not stated): TOPMed 0.00002; ExAC 0.00003; gnomAD 0.00003 and 0.00004; gnomAD exomes 0.00005.
gnomAD v4.1: 33 of 1,608,364 alleles (0.0021%); highest among the groups gnomAD compares: South Asian, 0.012%; no homozygotes.

Submissions (3):

PreventionGenetics, part of Exact Sciences
Classification: Likely benign for PKD1-related condition. Last evaluated: 2025-07-21. Review status: criteria provided, single submitter. Criteria: ACMG Guidelines, 2015. Collection method: clinical testing. Allele origin: germline.
Comment: This variant is classified as likely benign based on ACMG/AMP sequence variant interpretation guidelines (Richards et al. 2015 PMID: 25741868, with internal and published modifications).

Clinical Genetics DNA and cytogenetics Diagnostics Lab, Erasmus MC, Erasmus Medical Center
Classification: Likely benign. Review status: no assertion criteria provided. Collection method: clinical testing. Allele origin: germline. Affected: yes. Study: VKGL Data-share Consensus. Not counted in ClinVar's aggregate classification.

Genome Diagnostics Laboratory, University Medical Center Utrecht
Classification: Likely benign. Review status: no assertion criteria provided. Collection method: clinical testing. Allele origin: germline. Affected: yes. Study: VKGL Data-share Consensus. Not counted in ClinVar's aggregate classification.